The following is an entry in ClinVar:

ClinVar aggregate classification (germline): Pathogenic (1 of 4 stars; one submission).

Conditions:
Hereditary breast ovarian cancer syndrome. Also called: Hereditary breast and ovarian cancer syndrome; BRCA1- and BRCA2-Associated Hereditary Breast and Ovarian Cancer; Hereditary breast and ovarian cancer syndrome (HBOC); Hereditary breast and/or ovarian cancer syndrome; Hereditary breast and ovarian cancer; Breast and ovarian cancer. Identifiers: Orphanet 145, MedGen C0677776, MeSH D061325, MONDO:0003582. Disease mechanism: loss of function.

Submission:

Labcorp Genetics (formerly Invitae), Labcorp
Classification: Pathogenic for Hereditary breast ovarian cancer syndrome. Last evaluated: 2024-06-28. Review status: criteria provided, single submitter. Criteria: Invitae Variant Classification Sherloc (09022015). Collection method: clinical testing. Allele origin: germline.
Comment: This sequence change creates a premature translational stop signal (p.Arg1471Lysfs*11) in the BRCA2 gene. It is expected to result in an absent or disrupted protein product. Loss-of-function variants in BRCA2 are known to be pathogenic (PMID: 20104584). This variant is not present in population databases (gnomAD no frequency). This variant has not been reported in the literature in individuals affected with BRCA2-related conditions. ClinVar contains an entry for this variant (Variation ID: 2126164). For these reasons, this variant has been classified as Pathogenic.

Literature cited by the submitters: PubMed 20104584.

NM_000059.4(BRCA2):c.4411dup (p.Arg1471fs)

Gene: BRCA2 (BRCA2 DNA repair associated; plus strand). Cytogenetic location: 13q13.1.
Variant type: Duplication.
Coding change: c.4411dup on transcript NM_000059.4 (MANE Select); coding-DNA position 4411, one base duplicated (A; older notation c.4411dupA).
Protein change: p.Arg1471fs; shifts the reading frame from arginine 1471.
Molecular consequence: frameshift variant.
Genome position (GRCh38, 1-based): chr13:32,338,766, A duplicated; the last of 2 consecutive A bases (chr13:32,338,765-32,338,766); duplicating either gives the same sequence. VCF-style (leftmost placement, unchanged base first): chr13-32338764-T-TA. GRCh37 (hg19) VCF-style: chr13-32912901-T-TA.
Other names: c.4411dup, p.Arg1471Lysfs (NM_001406719.1, NM_001406720.1); short protein forms R1471fs.
Identifiers: ClinVar variation 2126164 (VCV002126164.4), dbSNP rs2548528308, ClinGen allele CA2580087283.